The following is an entry in ClinVar:

ClinVar aggregate classification (germline): Uncertain significance. Review status: criteria provided, multiple submitters, no conflicts (2 of 4 stars). 2 submissions from 2 submitters: Uncertain significance (2). Last evaluated 2023-12-15.

Conditions:
Inborn genetic diseases. Identifiers: MedGen C0950123, MeSH D030342.
Inflammatory bowel disease 28. Also called: Inflammatory bowel disease 28, early onset, autosomal recessive. Identifiers: Orphanet 238569, MedGen C2751053, MONDO:0013153, OMIM 613148.

Allele frequency attached by ClinVar (database versions not stated): TOPMed below 0.00001.

Submissions (2):

Ambry Genetics
Classification: Uncertain significance for Inborn genetic diseases. Last evaluated: 2023-12-15. Review status: criteria provided, single submitter. Criteria: Ambry Variant Classification Scheme 2023. Collection method: clinical testing. Allele origin: germline.

Labcorp Genetics (formerly Invitae), Labcorp
Classification: Uncertain significance for Inflammatory bowel disease 28. Last evaluated: 2022-06-13. Review status: criteria provided, single submitter. Criteria: Invitae Variant Classification Sherloc (09022015). Collection method: clinical testing. Allele origin: germline.
Comment: In summary, the available evidence is currently insufficient to determine the role of this variant in disease. Therefore, it has been classified as a Variant of Uncertain Significance. Algorithms developed to predict the effect of sequence changes on RNA splicing suggest that this variant may disrupt the consensus splice site. Algorithms developed to predict the effect of missense changes on protein structure and function (SIFT, PolyPhen-2, Align-GVGD) all suggest that this variant is likely to be tolerated. This variant has not been reported in the literature in individuals affected with IL10RA-related conditions. This variant is not present in population databases (gnomAD no frequency). This sequence change replaces threonine, which is neutral and polar, with lysine, which is basic and polar, at codon 24 of the IL10RA protein (p.Thr24Lys).

NM_001558.4(IL10RA):c.71C>A (p.Thr24Lys)

Gene: IL10RA (interleukin 10 receptor subunit alpha; plus strand). Cytogenetic location: 11q23.3.
Variant type: single nucleotide variant.
Coding change: c.71C>A on transcript NM_001558.4 (MANE Select); coding-DNA position 71, C replaced by A.
Protein change: p.Thr24Lys; replaces threonine 24 with lysine.
Molecular consequence: missense variant. On other transcripts: non-coding transcript variant (1).
Genome position (GRCh38, 1-based): chr11:117,988,385, C>A. VCF-style: chr11-117988385-C-A. GRCh37 (hg19) VCF-style: chr11-117859100-C-A.
Other names: short protein forms T24K.
Identifiers: ClinVar variation 1924116 (VCV001924116.4), dbSNP rs2058000912, ClinGen allele CA382772516.